The following is an entry in ClinVar:

ClinVar aggregate classification (germline): Uncertain significance (1 of 4 stars; one submission).

Conditions:
Cardiovascular phenotype. Identifiers: MedGen CN230736.

Submission:

Ambry Genetics
Classification: Uncertain significance for Cardiovascular phenotype. Last evaluated: 2026-01-10. Review status: criteria provided, single submitter. Criteria: Ambry Variant Classification Scheme 2023. Collection method: clinical testing. Allele origin: germline.
Comment: The p.Q29H variant (also known as c.87G>C), located in coding exon 1 of the PLN gene, results from a G to C substitution at nucleotide position 87. The glutamine at codon 29 is replaced by histidine, an amino acid with highly similar properties. This amino acid position is conserved. In addition, this alteration is predicted to be deleterious by in silico analysis. Based on the available evidence, the clinical significance of this variant remains unclear.

NM_002667.5(PLN):c.87G>C (p.Gln29His)

Genes: CEP85L (centrosomal protein 85L; minus strand), PLN (phospholamban; plus strand). Cytogenetic location: 6q22.31.
Variant type: single nucleotide variant.
Coding change: c.87G>C on transcript NM_002667.5 (MANE Select); coding-DNA position 87, G replaced by C.
Protein change: p.Gln29His; replaces glutamine 29 with histidine.
Molecular consequence: missense variant. On other transcripts: intron variant (3).
Genome position (GRCh38, 1-based): chr6:118,559,008, G>C. VCF-style: chr6-118559008-G-C. GRCh37 (hg19) VCF-style: chr6-118880171-G-C.
Other names: c.1029+6521C>G (NM_001178035.2); c.1020+6521C>G (NM_001042475.3, NM_206921.3); short protein forms Q29H.
Identifiers: ClinVar variation 4843045 (VCV004843045.1).